The following is an entry in ClinVar:

ClinVar aggregate classification (germline): Uncertain significance (1 of 4 stars; one submission).

Allele frequency attached by ClinVar (database versions not stated): ExAC 0.00001; 1000 Genomes Project 30x 0.00016; gnomAD 0.00001; 1000 Genomes Project 0.00020.
gnomAD v4.1: 1 of 1,614,032 alleles (0.000062%); highest among the groups gnomAD compares: African/African-American, 0.0013%; no homozygotes.

Submission:

Labcorp Genetics (formerly Invitae), Labcorp
Classification: Uncertain significance. Last evaluated: 2025-06-02. Review status: criteria provided, single submitter. Criteria: Invitae Variant Classification Sherloc (09022015). Collection method: clinical testing. Allele origin: germline.
Comment: This sequence change replaces proline, which is neutral and non-polar, with histidine, which is basic and polar, at codon 52 of the COX4I2 protein (p.Pro52His). This variant is present in population databases (rs575560908, gnomAD 0.007%). This variant has not been reported in the literature in individuals affected with COX4I2-related conditions. ClinVar contains an entry for this variant (Variation ID: 2843912). An algorithm developed to predict the effect of missense changes on protein structure and function (PolyPhen-2) suggests that this variant is likely to be disruptive. In summary, the available evidence is currently insufficient to determine the role of this variant in disease. Therefore, it has been classified as a Variant of Uncertain Significance.

NM_032609.3(COX4I2):c.155C>A (p.Pro52His)

Gene: COX4I2 (cytochrome c oxidase subunit 4I2; plus strand). Cytogenetic location: 20q11.21.
Variant type: single nucleotide variant.
Coding change: c.155C>A on transcript NM_032609.3 (MANE Select); coding-DNA position 155, C replaced by A.
Protein change: p.Pro52His; replaces proline 52 with histidine.
Molecular consequence: missense variant.
Genome position (GRCh38, 1-based): chr20:31,640,005, C>A. VCF-style: chr20-31640005-C-A. GRCh37 (hg19) VCF-style: chr20-30227808-C-A.
Other names: short protein forms P52H.
Identifiers: ClinVar variation 2843912 (VCV002843912.3), dbSNP rs575560908, ClinGen allele CA9801880.